The following is an entry in ClinVar:

ClinVar aggregate classification (germline): Pathogenic (1 of 4 stars; one submission).

Conditions:
Early-infantile DEE. Also called: Early infantile epileptic encephalopathy with suppression bursts; Early infantile epileptic encephalopathy; Ohtahara syndrome. Identifiers: Orphanet 1934, MedGen C0393706, MONDO:0800491.

Submission:

Labcorp Genetics (formerly Invitae), Labcorp
Classification: Pathogenic for Early-infantile DEE. Last evaluated: 2021-10-13. Review status: criteria provided, single submitter. Criteria: Invitae Variant Classification Sherloc (09022015). Collection method: clinical testing. Allele origin: germline.
Comment: For these reasons, this variant has been classified as Pathogenic. This variant disrupts the p.Gln1923 amino acid residue in SCN1A. Other variant(s) that disrupt this residue have been determined to be pathogenic (Invitae). This suggests that this residue is clinically significant, and that variants that disrupt this residue are likely to be disease-causing. Advanced modeling of protein sequence and biophysical properties (such as structural, functional, and spatial information, amino acid conservation, physicochemical variation, residue mobility, and thermodynamic stability) performed at Invitae indicates that this missense variant is expected to disrupt SCN1A protein function. A different variant (c.5769G>C) giving rise to the same protein effect has been determined to be pathogenic (Invitae). This suggests that this variant is also likely to be causative of disease. This variant is not present in population databases (ExAC no frequency). This sequence change replaces glutamine with histidine at codon 1923 of the SCN1A protein (p.Gln1923His). The glutamine residue is highly conserved and there is a small physicochemical difference between glutamine and histidine.

NM_001165963.4(SCN1A):c.5769G>T (p.Gln1923His)

Genes: SCN1A (sodium voltage-gated channel alpha subunit 1; minus strand), LOC102724058 (uncharacterized LOC102724058; plus strand). Cytogenetic location: 2q24.3.
Variant type: single nucleotide variant.
Coding change: c.5769G>T on transcript NM_001165963.4 (MANE Select); coding-DNA position 5769, G replaced by T.
Protein change: p.Gln1923His; replaces glutamine 1923 with histidine.
Molecular consequence: missense variant. On other transcripts: non-coding transcript variant (1).
Genome position (GRCh38, 1-based): chr2:165,991,506, C>A on the plus strand (G>T on the coding strand, the complement: SCN1A is on the minus strand). VCF-style: chr2-165991506-C-A. GRCh37 (hg19) VCF-style: chr2-166848016-C-A.
Other names: c.5685G>T, p.Gln1895His (NM_001165964.3, NM_001353957.2, NM_001353958.2); c.5769G>T, p.Gln1923His (NM_001202435.3, NM_001353948.2); c.5736G>T, p.Gln1912His (NM_001353949.2, NM_001353950.2, NM_001353951.2 and 2 more transcripts); c.5733G>T, p.Gln1911His (NM_001353954.2, NM_001353955.2); c.5682G>T, p.Gln1894His (NM_001353960.2); c.3327G>T, p.Gln1109His (NM_001353961.2); short protein forms Q1109H, Q1895H, Q1894H, Q1912H, Q1923H, Q1911H.
Identifiers: ClinVar variation 1455187 (VCV001455187.7), dbSNP rs2105423415, ClinGen allele CA349064027.
Genomic context (GRCh38, chr2:165,991,506, plus strand): 5'-ATTGTACGTAAAGGAAGCTTGTTTTACAGTTCGCTTTAAAAGGTGGCGTCTGTAAGCACG[C>A]TGAATAATGACAGCAGATACTTCCTCTTGTTTTCGTTTTAAAGTAGTAGTGATTGGCTGA-3'
Protein context (NP_001159435.1, residues 1913-1933): KQEEVSAVII[Gln1923His]RAYRRHLLKR